The following is an entry in ClinVar:

NM_024422.6(DSC2):c.2597C>G (p.Ala866Gly)

Gene: DSC2 (desmocollin 2; minus strand). Cytogenetic location: 18q12.1.
Variant type: single nucleotide variant.
Coding change: c.2597C>G on transcript NM_024422.6 (MANE Select); coding-DNA position 2597, C replaced by G.
Protein change: p.Ala866Gly; replaces alanine 866 with glycine.
Molecular consequence: missense variant. On other transcripts: 3 prime UTR variant (1).
Genome position (GRCh38, 1-based): chr18:31,068,124, G>C on the plus strand (C>G on the coding strand, the complement: DSC2 is on the minus strand). VCF-style: chr18-31068124-G-C. GRCh37 (hg19) VCF-style: chr18-28648090-G-C.
Other names: c.*99C>G (NM_004949.5); short protein forms A866G.
Identifiers: ClinVar variation 921447 (VCV000921447.8), dbSNP rs760363798, ClinGen allele CA040997.

ClinVar aggregate classification (germline): Uncertain significance. Review status: criteria provided, multiple submitters, no conflicts (2 of 4 stars). 2 submissions from 2 submitters: Uncertain significance (2). Last evaluated 2023-12-04.

Conditions:
Arrhythmogenic right ventricular dysplasia 11. Also called: ARRHYTHMOGENIC RIGHT VENTRICULAR DYSPLASIA, FAMILIAL, 11; Arrhythmogenic Right Ventricular Dysplasia/Cardiomyopathy11; Arrhythmogenic right ventricular dysplasia 11 with mild palmoplantar keratoderma and woolly hair. Identifiers: MedGen C1864850, MONDO:0012506, OMIM 610476.
Cardiomyopathy (CMYO). Also called: Cardiomyopathies. Identifiers: Orphanet 167848, MedGen C0878544, MONDO:0004994, HP:0001638. Inheritance: Various modes of inheritance.

Allele frequency attached by ClinVar (database versions not stated): gnomAD 0.00001; TOPMed 0.00001; ExAC 0.00001.
gnomAD v4.1: 2 of 1,613,838 alleles (0.00012%); highest among the groups gnomAD compares: Non-Finnish European, 0.00017%; no homozygotes.

Submissions (2):

Color Diagnostics, LLC DBA Color Health
Classification: Uncertain significance for Cardiomyopathy. Last evaluated: 2023-12-04. Review status: criteria provided, single submitter. Criteria: ACMG Guidelines, 2015. Collection method: clinical testing. Allele origin: germline.
Comment: Variant of Uncertain Significance due to insufficient evidence: This missense variant is located in the intracellular cadherin segment of the DSC2 protein. Computational prediction tools and conservation analyses are inconclusive regarding the impact of this variant on the protein function. Computational splicing tools suggest that this variant may not impact RNA splicing. To our knowledge, functional assays have not been performed for this variant nor has this variant been reported in individuals affected with cardiovascular disorders in the literature. This variant has been identified in 1/245900 chromosomes in the general population by the Genome Aggregation Database (gnomAD). Available evidence is insufficient to determine the pathogenicity of this variant conclusively.

Labcorp Genetics (formerly Invitae), Labcorp
Classification: Uncertain significance for Arrhythmogenic right ventricular dysplasia 11. Last evaluated: 2022-11-09. Review status: criteria provided, single submitter. Criteria: Invitae Variant Classification Sherloc (09022015). Collection method: clinical testing. Allele origin: germline.
Comment: In summary, the available evidence is currently insufficient to determine the role of this variant in disease. Therefore, it has been classified as a Variant of Uncertain Significance. Algorithms developed to predict the effect of sequence changes on RNA splicing suggest that this variant may disrupt the consensus splice site. Algorithms developed to predict the effect of missense changes on protein structure and function are either unavailable or do not agree on the potential impact of this missense change (SIFT: "Deleterious"; PolyPhen-2: "Probably Damaging"; Align-GVGD: "Class C0"). ClinVar contains an entry for this variant (Variation ID: 921447). This variant has not been reported in the literature in individuals affected with DSC2-related conditions. This variant is present in population databases (rs760363798, gnomAD 0.0009%). This sequence change replaces alanine, which is neutral and non-polar, with glycine, which is neutral and non-polar, at codon 866 of the DSC2 protein (p.Ala866Gly).